The following is an entry in ClinVar:

ClinVar aggregate classification (germline): Uncertain significance. Review status: criteria provided, multiple submitters, no conflicts (2 of 4 stars). 2 submissions from 2 submitters: Uncertain significance (2). Last evaluated 2025-08-03.

Allele frequency attached by ClinVar (database versions not stated): ExAC 0.00002; gnomAD exomes 0.00004; gnomAD 0.00002; TOPMed 0.00003.
gnomAD v4.1: 56 of 1,614,038 alleles (0.0035%); highest among the groups gnomAD compares: Middle Eastern, 0.016%; no homozygotes.

Submissions (2):

GeneDx
Classification: Uncertain significance. Last evaluated: 2025-08-03. Review status: criteria provided, single submitter. Criteria: GeneDx Variant Classification Process June 2021. Collection method: clinical testing. Allele origin: germline. Affected: yes.
Comment: Not observed at significant frequency in large population cohorts (gnomAD); In silico analysis supports a deleterious effect on splicing; Has not been previously published as pathogenic or benign to our knowledge

Labcorp Genetics (formerly Invitae), Labcorp
Classification: Uncertain significance. Last evaluated: 2022-05-30. Review status: criteria provided, single submitter. Criteria: Invitae Variant Classification Sherloc (09022015). Collection method: clinical testing. Allele origin: germline.
Comment: Algorithms developed to predict the effect of sequence changes on RNA splicing suggest that this variant may create or strengthen a splice site. This sequence change affects codon 201 of the CYC1 mRNA. It is a 'silent' change, meaning that it does not change the encoded amino acid sequence of the CYC1 protein. This variant is present in population databases (rs768826637, gnomAD 0.007%). This variant has not been reported in the literature in individuals affected with CYC1-related conditions. In summary, the available evidence is currently insufficient to determine the role of this variant in disease. Therefore, it has been classified as a Variant of Uncertain Significance.

NM_001916.5(CYC1):c.603G>A (p.Val201=)

Gene: CYC1 (cytochrome c1; plus strand). Cytogenetic location: 8q24.3.
Variant type: single nucleotide variant.
Coding change: c.603G>A on transcript NM_001916.5 (MANE Select); coding-DNA position 603, G replaced by A.
Protein change: p.Val201=; no amino-acid change (valine 201 retained).
Molecular consequence: synonymous variant.
Genome position (GRCh38, 1-based): chr8:144,096,486, G>A. VCF-style: chr8-144096486-G-A. GRCh37 (hg19) VCF-style: chr8-145151389-G-A.
Other names: c.603G>A (NM_001916.4).
Identifiers: ClinVar variation 1932244 (VCV001932244.5), dbSNP rs768826637, ClinGen allele CA4933433.
Genomic context (GRCh38, chr8:144,096,486, plus strand): 5'-CAGTGAGGCTGCTCGAGCTGCCAACAACGGAGCATTGCCCCCTGACCTCAGCTACATCGT[G>A]CGAGCTAGGTACACGGGCTGCCCATGGGGTGGTGCTGGAGAGATGGGGGAAGGGCTGACT-3'
Protein context (NP_001907.3, residues 191-211): GALPPDLSYI[Val201=]RARHGGEDYV